The following is an entry in ClinVar:

NM_000540.3(RYR1):c.12149C>A (p.Ser4050Tyr)

Gene: RYR1 (ryanodine receptor 1; plus strand). Cytogenetic location: 19q13.2.
Variant type: single nucleotide variant.
Coding change: c.12149C>A on transcript NM_000540.3 (MANE Select); coding-DNA position 12149, C replaced by A.
Protein change: p.Ser4050Tyr; replaces serine 4050 with tyrosine.
Molecular consequence: missense variant.
Genome position (GRCh38, 1-based): chr19:38,548,287, C>A. VCF-style: chr19-38548287-C-A. GRCh37 (hg19) VCF-style: chr19-39038927-C-A.
Other names: c.12149C>A (NM_000540.2); c.12134C>A, p.Ser4045Tyr (NM_001042723.2); short protein forms S4050Y, S4045Y.
Identifiers: ClinVar variation 133033 (VCV000133033.14), dbSNP rs193922844, ClinGen allele CA023971.

ClinVar aggregate classification (germline): Likely pathogenic. Review status: reviewed by expert panel (3 of 4 stars). 5 submissions from 5 submitters: Likely pathogenic (1). 4 of the submissions do not count toward it. Last evaluated 2025-08-01.

Conditions:
RYR1-related disorder. Also called: RYR1-related disorders; RYR1-related condition. Identifiers: MedGen CN239331.
Malignant hyperthermia, susceptibility to, 1 (MHS1). Also called: RYR1-Related Malignant Hyperthermia Susceptibility; Malignant hyperthermia suceptibility 1; Anesthesia related hyperthermia; Malignant hyperpyrexia; Fulminating hyperpyrexia; Pharmacogenic myopathy. Identifiers: Orphanet 423, MedGen C2930980, MONDO:0007783, OMIM 145600.

gnomAD v4.1: 8 of 1,614,206 alleles (0.0005%); highest among the groups gnomAD compares: Non-Finnish European, 0.00068%; no homozygotes.

Submissions (5):

ClinGen Malignant Hyperthermia Susceptibility Variant Curation Expert Panel, ClinGen
Classification: Likely pathogenic for Malignant hyperthermia, susceptibility to, 1. Last evaluated: 2025-08-01. Review status: reviewed by expert panel. Criteria: ClinGen MHS ACMG Specifications V2. Collection method: curation. Allele origin: germline. Inheritance: Autosomal dominant inheritance.
Comment: This pathogenicity assessment is relevant only for malignant hyperthermia susceptibility (MHS) inherited in an autosomal dominant pattern. Variants in RYR1 can also cause other myopathies inherited in an autosomal dominant pattern or in an autosomal recessive pattern. Some of these disorders may predispose individuals to malignant hyperthermia. RYR1 variants may also contribute to a malignant hyperthermia reaction in combination with other genetic and non-genetic factors and the clinician needs to consider such factors in making management decisions. This sequence variant predicts a substitution of serine with tyrosine at codon 4050 of the RYR1 protein, p.(Ser4050Tyr). This variant was not present in a large population database (gnomAD) at the time this variant was interpreted. This variant has been reported in two unrelated individuals who have a personal or family history of a malignant hyperthermia reaction, both of these individuals had a positive in vitro contracture test (IVCT) or caffeine halothane contracture test (CHCT) result (if the proband was unavailable for testing, a positive diagnostic test result in a mutation-positive relative was counted), PS4_Moderate (PMID:30236257). Two families have been found to segregate this variant in a total of 10 affected individuals (MHS-VCEP laboratory), PP1_Strong. No functional studies were identified for this variant. This variant does not reside in a hotspot for pathogenic variants that contribute to MHS. A REVEL score >0.85 (0.942) supports a pathogenic status for this variant, PP3_Moderate. This variant has been classified as a Variant of Unknown Significance. Criteria implemented: PS4_Moderate, PP1_Strong, PP3_Moderate.

GeneDx
Classification: Likely pathogenic. Last evaluated: 2025-10-03. Review status: criteria provided, single submitter. Criteria: GeneDx Variant Classification Process June 2021. Collection method: clinical testing. Allele origin: germline. Affected: yes. Not counted in ClinVar's aggregate classification.
Comment: Not observed at significant frequency in large population cohorts (gnomAD); In silico analysis supports that this missense variant has a deleterious effect on protein structure/function; This variant is associated with the following publications: (PMID: 16917943, 30236257)

Labcorp Genetics (formerly Invitae), Labcorp
Classification: Pathogenic for RYR1-related disorder. Last evaluated: 2023-03-14. Review status: criteria provided, single submitter. Criteria: Invitae Variant Classification Sherloc (09022015). Collection method: clinical testing. Allele origin: germline. Not counted in ClinVar's aggregate classification.
Comment: For these reasons, this variant has been classified as Pathogenic. Advanced modeling of protein sequence and biophysical properties (such as structural, functional, and spatial information, amino acid conservation, physicochemical variation, residue mobility, and thermodynamic stability) performed at Invitae indicates that this missense variant is expected to disrupt RYR1 protein function. ClinVar contains an entry for this variant (Variation ID: 133033). This missense change has been observed in individual(s) with malignant hyperthermia susceptibility (PMID: 30236257). This variant is not present in population databases (gnomAD no frequency). This sequence change replaces serine, which is neutral and polar, with tyrosine, which is neutral and polar, at codon 4050 of the RYR1 protein (p.Ser4050Tyr).

Revvity Omics, Revvity
Classification: Likely pathogenic. Last evaluated: 2023-02-08. Review status: criteria provided, single submitter. Criteria: ACMG Guidelines, 2015. Collection method: clinical testing. Allele origin: germline. Not counted in ClinVar's aggregate classification.

RYR1 database
No classification provided. Review status: no classification provided. Collection method: not provided. Allele origin: unknown. Not counted in ClinVar's aggregate classification.

Literature cited by the submitters: PubMed 30236257 (cited by Labcorp Genetics (formerly Invitae), Labcorp).